The following is an entry in ClinVar:

ClinVar aggregate classification (germline): Uncertain significance. Review status: criteria provided, multiple submitters, no conflicts (2 of 4 stars). 2 submissions from 2 submitters: Uncertain significance (2). Last evaluated 2024-06-03.

Allele frequency attached by ClinVar (database versions not stated): TOPMed 0.00001; gnomAD 0.00006.
gnomAD v4.1: 31 of 1,487,440 alleles (0.0021%); highest among the groups gnomAD compares: Admixed American, 0.0069%; no homozygotes.

Submissions (2):

Labcorp Genetics (formerly Invitae), Labcorp
Classification: Uncertain significance. Last evaluated: 2024-06-03. Review status: criteria provided, single submitter. Criteria: Invitae Variant Classification Sherloc (09022015). Collection method: clinical testing. Allele origin: germline.
Comment: This sequence change replaces valine, which is neutral and non-polar, with leucine, which is neutral and non-polar, at codon 15 of the IMPAD1 protein (p.Val15Leu). This variant is present in population databases (no rsID available, gnomAD 0.01%). This variant has not been reported in the literature in individuals affected with IMPAD1-related conditions. ClinVar contains an entry for this variant (Variation ID: 2504979). An algorithm developed to predict the effect of missense changes on protein structure and function (PolyPhen-2) suggests that this variant is likely to be tolerated. In summary, the available evidence is currently insufficient to determine the role of this variant in disease. Therefore, it has been classified as a Variant of Uncertain Significance.

GeneDx
Classification: Uncertain significance. Last evaluated: 2022-12-09. Review status: criteria provided, single submitter. Criteria: GeneDx Variant Classification Process June 2021. Collection method: clinical testing. Allele origin: germline. Affected: yes.
Comment: In silico analysis supports that this missense variant does not alter protein structure/function; Has not been previously published as pathogenic or benign to our knowledge

NM_017813.5(BPNT2):c.43G>C (p.Val15Leu)

Genes: BPNT2 (3'(2'), 5'-bisphosphate nucleotidase 2; minus strand), LOC130000433 (ATAC-STARR-seq lymphoblastoid silent region 19212; plus strand). Cytogenetic location: 8q12.1.
Variant type: single nucleotide variant.
Coding change: c.43G>C on transcript NM_017813.5 (MANE Select); coding-DNA position 43, G replaced by C.
Protein change: p.Val15Leu; replaces valine 15 with leucine.
Molecular consequence: missense variant.
Genome position (GRCh38, 1-based): chr8:56,993,543, C>G on the plus strand (G>C on the coding strand, the complement: BPNT2 is on the minus strand). VCF-style: chr8-56993543-C-G. GRCh37 (hg19) VCF-style: chr8-57906102-C-G.
Other names: short protein forms V15L.
Identifiers: ClinVar variation 2504979 (VCV002504979.4), dbSNP rs767591752, ClinGen allele CA371386530.